The following is an entry in ClinVar:

ClinVar aggregate classification (germline): Likely benign. Review status: criteria provided, multiple submitters, no conflicts (2 of 4 stars). 2 submissions from 2 submitters: Likely benign (2). Last evaluated 2024-02-17.

Conditions:
Developmental and epileptic encephalopathy, 12 (DEE12). Identifiers: MedGen C3150988, MONDO:0013389, OMIM 613722.

Allele frequency attached by ClinVar (database versions not stated): gnomAD exomes below 0.00001.
gnomAD v4.1: 1 of 1,612,872 alleles (0.000062%); highest among the groups gnomAD compares: Admixed American, 0.0017%; no homozygotes.

Submissions (2):

Labcorp Genetics (formerly Invitae), Labcorp
Classification: Likely benign for Developmental and epileptic encephalopathy, 12. Last evaluated: 2024-02-17. Review status: criteria provided, single submitter. Criteria: Invitae Variant Classification Sherloc (09022015). Collection method: clinical testing. Allele origin: germline.

GeneDx
Classification: Likely benign. Last evaluated: 2018-02-26. Review status: criteria provided, single submitter. Criteria: GeneDx Variant Classification (06012015). Collection method: clinical testing. Allele origin: germline. Affected: yes.
Comment: This variant is considered likely benign or benign based on one or more of the following criteria: it is a conservative change, it occurs at a poorly conserved position in the protein, it is predicted to be benign by multiple in silico algorithms, and/or has population frequency not consistent with disease.

NM_007254.4(PNKP):c.906G>A (p.Lys302=)

Gene: PNKP (polynucleotide kinase 3'-phosphatase; minus strand). Cytogenetic location: 19q13.33.
Variant type: single nucleotide variant.
Coding change: c.906G>A on transcript NM_007254.4 (MANE Select); coding-DNA position 906, G replaced by A.
Protein change: p.Lys302=; no amino-acid change (lysine 302 retained).
Molecular consequence: synonymous variant.
Genome position (GRCh38, 1-based): chr19:49,862,568, C>T on the plus strand (G>A on the coding strand, the complement: PNKP is on the minus strand). VCF-style: chr19-49862568-C-T. GRCh37 (hg19) VCF-style: chr19-50365825-C-T.
Identifiers: ClinVar variation 515774 (VCV000515774.12), dbSNP rs1555811171, ClinGen allele CA508134188.
Genomic context (GRCh38, chr19:49,862,568, plus strand): 5'-CGGGCGCGGGGCAGGGGGCAGGGGCCTCACCAGGCGATCGGCGCAGGAGAAGTCTTTCTT[C>T]TTCCGCCCCGGGGCCCAGTTGGCCGGGCGTCCGGCTGCGTCTGGAACACACGGGACACCC-3'
Protein context (NP_009185.2, residues 292-312): GRPANWAPGR[Lys302=]KKDFSCADRL